The following is an entry in ClinVar:

ClinVar aggregate classification (germline): Uncertain significance (1 of 4 stars; one submission).

Submission:

Labcorp Genetics (formerly Invitae), Labcorp
Classification: Uncertain significance. Last evaluated: 2022-08-23. Review status: criteria provided, single submitter. Criteria: Invitae Variant Classification Sherloc (09022015). Collection method: clinical testing. Allele origin: germline.
Comment: In summary, the available evidence is currently insufficient to determine the role of this variant in disease. Therefore, it has been classified as a Variant of Uncertain Significance. Variants that disrupt the consensus splice site are a relatively common cause of aberrant splicing (PMID: 17576681, 9536098). Algorithms developed to predict the effect of sequence changes on RNA splicing suggest that this variant may disrupt the consensus splice site. This variant has not been reported in the literature in individuals affected with DNM1L-related conditions. This variant is not present in population databases (gnomAD no frequency). This sequence change falls in intron 16 of the DNM1L gene. It does not directly change the encoded amino acid sequence of the DNM1L protein. It affects a nucleotide within the consensus splice site.

Literature cited by the submitters: PubMed 17576681; PubMed 9536098.

NM_012062.5(DNM1L):c.1707+3G>T

Gene: DNM1L (dynamin 1 like; plus strand). Cytogenetic location: 12p11.21.
Variant type: single nucleotide variant.
Coding change: c.1707+3G>T on transcript NM_012062.5 (MANE Select); 3 bases into the intron after coding-DNA position 1707, G replaced by T.
Molecular consequence: intron variant.
Genome position (GRCh38, 1-based): chr12:32,738,299, G>T. VCF-style: chr12-32738299-G-T. GRCh37 (hg19) VCF-style: chr12-32891233-G-T.
Other names: c.1746+3G>T (NM_001278464.2); c.1713+357G>T (NM_001278465.2); c.1635+1138G>T (NM_001330380.2); c.1098+3G>T (NM_001278466.2); c.1674+357G>T (NM_001278463.2); c.1629+3G>T (NM_012063.4); c.1596+1138G>T (NM_005690.5).
Identifiers: ClinVar variation 1992617 (VCV001992617.4), dbSNP rs1375926058, ClinGen allele CA2580085372.
Genomic context (GRCh38, chr12:32,738,299, plus strand): 5'-CATGTTTTAACATATCTTTTAACAGTTAATTCAGGACAGCAGAAGAGAAACTAAAAATGT[G>T]AGTCTCTTGCTTCAGAATGGAAATGTTGGTACCTTTGGTTCTCACTGAAACACTGTCTAT-3'